The following is an entry in ClinVar:

NM_004387.4(NKX2-5):c.335-296del

Gene: NKX2-5 (NK2 homeobox 5; minus strand). Cytogenetic location: 5q35.1.
Variant type: Deletion.
Coding change: c.335-296del on transcript NM_004387.4 (MANE Select); 296 bases into the intron before coding-DNA position 335, one base deleted (G; older notation c.335-296delG).
Molecular consequence: intron variant.
Genome position (GRCh38, 1-based): chr5:173,233,505, C deleted on the plus strand (G on the coding strand, the reverse complement: NKX2-5 is on the minus strand). VCF-style (leftmost placement, unchanged base first): chr5-173233504-GC-G. GRCh37 (hg19) VCF-style: chr5-172660507-GC-G.
Other names: c.335-41del (NM_001166176.2); c.335-4del (NM_001166175.2).
Identifiers: ClinVar variation 3351984 (VCV003351984.2).

ClinVar aggregate classification (germline): Likely benign. Review status: criteria provided, single submitter (1 of 4 stars). 2 submissions from 2 submitters: Likely benign (1). 1 of the submissions does not count toward it. Last evaluated 2021-12-02.

Conditions:
NKX2-5-related disorder. Also called: NKX2-5-related condition.

Submissions (2):

Blueprint Genetics
Classification: Likely benign. Last evaluated: 2021-12-02. Review status: criteria provided, single submitter. Criteria: ACMG Guidelines, 2015. Collection method: clinical testing. Allele origin: germline.

PreventionGenetics, part of Exact Sciences
Classification: Likely benign for NKX2-5-related condition. Last evaluated: 2024-06-17. Review status: no assertion criteria provided. Collection method: clinical testing. Allele origin: germline. Not counted in ClinVar's aggregate classification.
Comment: This variant is classified as likely benign based on ACMG/AMP sequence variant interpretation guidelines (Richards et al. 2015 PMID: 25741868, with internal and published modifications).